The following is an entry in ClinVar:

ClinVar aggregate classification (germline): Uncertain significance (1 of 4 stars; one submission).

Conditions:
Hereditary cancer-predisposing syndrome. Also called: Hereditary Cancer Syndrome; Hereditary neoplastic syndrome; Neoplastic Syndromes, Hereditary; Tumor predisposition. Identifiers: Orphanet 140162, MedGen C0027672, MeSH D009386, MONDO:0015356.

gnomAD v4.1: 1 of 1,607,136 alleles (0.000062%); highest among the groups gnomAD compares: South Asian, 0.0011%; no homozygotes.

Submission:

Ambry Genetics
Classification: Uncertain significance for Hereditary cancer-predisposing syndrome. Last evaluated: 2025-04-03. Review status: criteria provided, single submitter. Criteria: Ambry Variant Classification Scheme 2023. Collection method: clinical testing. Allele origin: germline.
Comment: The p.P924A variant (also known as c.2770C>G), located in coding exon 8 of the PALB2 gene, results from a C to G substitution at nucleotide position 2770. The proline at codon 924 is replaced by alanine, an amino acid with highly similar properties. This amino acid position is conserved. In addition, this alteration is predicted to be tolerated by in silico analysis. Based on the available evidence, the clinical significance of this variant remains unclear.

NM_024675.4(PALB2):c.2770C>G (p.Pro924Ala)

Gene: PALB2 (partner and localizer of BRCA2; minus strand). Cytogenetic location: 16p12.2.
Variant type: single nucleotide variant.
Coding change: c.2770C>G on transcript NM_024675.4 (MANE Select); coding-DNA position 2770, C replaced by G.
Protein change: p.Pro924Ala; replaces proline 924 with alanine.
Molecular consequence: missense variant.
Genome position (GRCh38, 1-based): chr16:23,624,073, G>C on the plus strand (C>G on the coding strand, the complement: PALB2 is on the minus strand). VCF-style: chr16-23624073-G-C. GRCh37 (hg19) VCF-style: chr16-23635394-G-C.
Other names: c.2710C>G, p.Pro904Ala (NM_001407296.1); c.2698C>G, p.Pro900Ala (NM_001407297.1); c.2608C>G, p.Pro870Ala (NM_001407298.1, NM_001407302.1); c.2770C>G, p.Pro924Ala (NM_001407299.1, NM_001407300.1, NM_001407301.1); c.1885C>G, p.Pro629Ala (NM_001407304.1, NM_001407305.1, NM_001407306.1 and 4 more transcripts); c.1723C>G, p.Pro575Ala (NM_001407307.1); c.982C>G, p.Pro328Ala (NM_001407312.1, NM_001407313.1); c.304C>G, p.Pro102Ala (NM_001407314.1); short protein forms P900A, P328A, P102A, P575A, P629A, P870A, P904A, P924A.
Identifiers: ClinVar variation 3927430 (VCV003927430.1).
Genomic context (GRCh38, chr16:23,624,073, plus strand): 5'-TCTCTCTGATTTCCAAATTTCCCAAAGCTACACACACGAGATTATACACATCAGGCACTG[G>C]AACTATCTGTAATACTGGAACCTAAATAAAACAAAGCAGCCAAAAATTATGCTTGGTTGT-3'
Protein context (NP_078951.2, residues 914-934): FAEVPVLQIV[Pro924Ala]VPDVYNLVCV